The following is an entry in ClinVar:

NM_004517.4(ILK):c.618+10G>A

Genes: TAF10 (TATA-box binding protein associated factor 10; minus strand), ILK (integrin linked kinase; plus strand). Cytogenetic location: 11p15.4.
Variant type: single nucleotide variant.
Coding change: c.618+10G>A on transcript NM_004517.4 (MANE Select); 10 bases into the intron after coding-DNA position 618, G replaced by A.
Molecular consequence: intron variant. On other transcripts: 3 prime UTR variant (1).
Genome position (GRCh38, 1-based): chr11:6,609,166, G>A. VCF-style: chr11-6609166-G-A. GRCh37 (hg19) VCF-style: chr11-6630397-G-A.
Other names: c.*1756C>T (NM_006284.4); c.618+10G>A (NM_001014795.3, NM_001014794.3); c.436-133G>A (NM_001278441.2); c.216+10G>A (NM_001278442.2).
Identifiers: ClinVar variation 227444 (VCV000227444.4), dbSNP rs876657478, ClinGen allele CA10576894.

ClinVar aggregate classification (germline): Likely benign (1 of 4 stars; one submission).

gnomAD v4.1: 12 of 1,609,252 alleles (0.00075%); highest among the groups gnomAD compares: African/African-American, 0.0013%; no homozygotes.

Submission:

Laboratory for Molecular Medicine, Mass General Brigham Personalized Medicine
Classification: Likely benign. Last evaluated: 2015-05-26. Review status: criteria provided, single submitter. Criteria: LMM Criteria. Collection method: clinical testing. Allele origin: germline. Observed: 1 variant allele.
Comment: c.618+10G>A in intron 7 of ILK: This variant is not expected to have clinical si gnificance because it is not located within the splice consensus sequence.